The following is an entry in ClinVar:

ClinVar aggregate classification (germline): Pathogenic (1 of 4 stars; one submission).

Conditions:
COL4A5-related disorder. Also called: COL4A5-related condition.

Submission:

PreventionGenetics, part of Exact Sciences
Classification: Pathogenic for COL4A5-related condition. Last evaluated: 2024-10-10. Review status: criteria provided, single submitter. Criteria: ACMG Guidelines, 2015. Collection method: clinical testing. Allele origin: germline.
Comment: The COL4A5 c.892-1G>T variant is predicted to disrupt the AG splice acceptor site and interfere with normal splicing. To our knowledge, this variant has not been reported in the literature or in a large population database (gnomAD), indicating this variant is rare. A different nucleotide change at this position (c.892-1G>C) has been reported in a patient with COL4A5-related disorders (Reported as g1094-1->C, Heiskari. 1996. PubMed ID: 8738805). Variants that disrupt the consensus splice acceptor site in COL4A5 are expected to be pathogenic. This variant is interpreted as pathogenic.

NM_033380.3(COL4A5):c.892-1G>T

Gene: COL4A5 (collagen type IV alpha 5 chain; plus strand). Cytogenetic location: Xq22.3.
Variant type: single nucleotide variant.
Coding change: c.892-1G>T on transcript NM_033380.3 (MANE Select); the canonical splice acceptor site of the intron before coding-DNA position 892, G replaced by T.
Molecular consequence: splice acceptor variant.
Genome position (GRCh38, 1-based): chrX:108,580,982, G>T. VCF-style: chrX-108580982-G-T. GRCh37 (hg19) VCF-style: chrX-107824212-G-T.
Other names: c.892-1G>T (NM_000495.5).
Identifiers: ClinVar variation 4998254 (VCV004998254.1).